The following is an entry in ClinVar:

ClinVar aggregate classification (germline): Conflicting classifications of pathogenicity. Review status: criteria provided, conflicting classifications (1 of 4 stars). 15 submissions from 15 submitters: Pathogenic (1); Likely pathogenic (3); Uncertain significance (8). 3 of the submissions do not count toward it. Last evaluated 2025-12-20.

Conditions:
Cardiovascular phenotype. Identifiers: MedGen CN230736.
MYBPC3-related disorder. Also called: MYBPC3-related disorders; MYBPC3-related condition; MYBPC3-related disease.
Hypertrophic cardiomyopathy 4. Also called: Familial hypertrophic cardiomyopathy 4. Identifiers: MedGen C1861862, MONDO:0007268, OMIM 115197.
Left ventricular noncompaction 10 (LVNC10). Identifiers: Orphanet 154, Orphanet 54260, MedGen C3715165, MONDO:0014163, OMIM 615396.
Cardiomyopathy (CMYO). Also called: Cardiomyopathies. Identifiers: Orphanet 167848, MedGen C0878544, MONDO:0004994, HP:0001638. Inheritance: Various modes of inheritance.
Primary familial hypertrophic cardiomyopathy (HCM). Identifiers: Orphanet 99739, MedGen C0949658, MeSH D024741, MONDO:0024573. Inheritance: Various modes of inheritance.
Hypertrophic cardiomyopathy. Also called: HYPERTROPHIC MYOCARDIOPATHY. Identifiers: Orphanet 217569, MedGen C0007194, MeSH D002312, MONDO:0005045, HP:0001639.

Allele frequency attached by ClinVar (database versions not stated): TOPMed 0.00001; ESP Exome Variant Server 0.00008.
gnomAD v4.1: 21 of 1,598,984 alleles (0.0013%); highest among the groups gnomAD compares: South Asian, 0.012%; no homozygotes.

Submissions 1 to 7 of 15:

Labcorp Genetics (formerly Invitae), Labcorp
Classification: Pathogenic for Hypertrophic cardiomyopathy. Last evaluated: 2025-12-20. Review status: criteria provided, single submitter. Criteria: Invitae Variant Classification Sherloc (09022015). Collection method: clinical testing. Allele origin: germline.
Comment: This sequence change replaces aspartic acid, which is acidic and polar, with asparagine, which is neutral and polar, at codon 610 of the MYBPC3 protein (p.Asp610Asn). The frequency data for this variant in the population databases is considered unreliable, as metrics indicate poor data quality at this position in the gnomAD database. This missense change has been observed in individuals with hypertrophic cardiomyopathy. However, some individuals carried additional alleles in cardiomyopathy-related genes. (PMID: 20624503, 22857948, 27532257, 28214152, 28323875, 33782553; internal data). ClinVar contains an entry for this variant (Variation ID: 42575). An algorithm developed to predict the effect of missense changes on protein structure and function (PolyPhen-2) suggests that this variant is likely to be disruptive. Experimental studies have shown that this missense change affects MYBPC3 function (PMID: 34097875). This variant disrupts the p.Asp610 amino acid residue in MYBPC3. Other variant(s) that disrupt this residue have been determined to be pathogenic (PMID: 18533079, 20624503, 22361390, 25740977). This suggests that this residue is clinically significant, and that variants that disrupt this residue are likely to be disease-causing. For these reasons, this variant has been classified as Pathogenic.

Color Diagnostics, LLC DBA Color Health
Classification: Uncertain significance for Cardiomyopathy. Last evaluated: 2025-06-20. Review status: criteria provided, single submitter. Criteria: ACMG Guidelines, 2015. Collection method: clinical testing. Allele origin: germline.
Comment: This missense variant replaces aspartic acid with asparagine at codon 610 of the MYBPC3 protein. Computational prediction suggests that this variant may have a deleterious impact on protein structure and function. An in-vitro functional study has shown that this variant causes a large reduction in protein stability (PMID: 34097875). This variant has been reported in over ten individuals affected with hypertrophic cardiomyopathy (PMID: 22857948, 27532257, 28214152, 2832387, 33241513, 33782553, 32841044, 35026164, 35581137, ClinVar SCV001572569.1, SCV000059090.5), including one individual who also carried another pathogenic variant in the same gene (PMID: 35581137). Two of the affected individuals were homozygous and had childhood onset of the disease (ClinVar SCV001572569.1, SCV000059090.5). This variant has been identified in 3/222558 chromosomes in the general population by the Genome Aggregation Database (gnomAD). Although there is a suspicion that this variant may be associated with disease, additional studies are necessary to determine the role of this variant in disease conclusively. Therefore, this variant is classified as a Variant of Uncertain Significance.

Servicio Canario de Salud, Hospital Universitario Nuestra Sra. de Candelaria
Classification: Likely pathogenic for Hypertrophic cardiomyopathy 4. Last evaluated: 2025-05-28. Review status: criteria provided, single submitter. Criteria: ACMG Guidelines, 2015. Collection method: clinical testing. Allele origin: germline. Inheritance: Autosomal dominant inheritance. Affected: yes. Observed: 1 heterozygote.
Comment: The Asp610Asn variant in MYBPC3 has been reported in 1 family (index case and affected brother) with autosomal dominant hypertrophic cardiomyopathy. The Asp610Asn variant meets our criteria to be classified as likely pathogenic.

Fulgent Genetics
Classification: Uncertain significance for Hypertrophic cardiomyopathy 4; Left ventricular noncompaction 10. Last evaluated: 2024-03-21. Review status: criteria provided, single submitter. Criteria: ACMG Guidelines, 2015. Collection method: clinical testing. Allele origin: germline.

All of Us Research Program, National Institutes of Health
Classification: Uncertain significance for Hypertrophic cardiomyopathy. Last evaluated: 2023-08-15. Review status: criteria provided, single submitter. Criteria: ACMG Guidelines, 2015. Collection method: clinical testing. Allele origin: germline. Inheritance: Autosomal dominant inheritance. Observed: 4 variant alleles, 4 heterozygotes.
Comment: This missense variant replaces aspartic acid with asparagine at codon 610 of the MYBPC3 protein. Computational prediction suggests that this variant may have a deleterious impact on protein structure and function (internally defined REVEL score threshold >= 0.7, PMID: 27666373). An in-vitro functional study has shown that this variant causes a large reduction in protein stability (PMID: 34097875). This variant has been reported in over ten individuals affected with hypertrophic cardiomyopathy (PMID: 22857948, 27532257, 28214152, 2832387, 33241513, 33782553, 32841044, 35026164, 35581137, ClinVar SCV001572569.1, SCV000059090.5), including one individual who also carried another pathogenic variant in the MYBPC3 gene (PMID: 35581137). Two of the affected individuals were homozygous and had childhood onset of the disease (ClinVar SCV001572569.1, SCV000059090.5). This variant has been identified in 3/222558 chromosomes in the general population by the Genome Aggregation Database (gnomAD). Although there is a suspicion that this variant may be associated with disease, additional studies are necessary to determine the role of this variant in disease conclusively. Therefore, this variant is classified as a Variant of Uncertain Significance.

This study involves interpretation of variants in research participants for the purpose of population health screening. Participant phenotype was not available at the time of variant classification. Additional details can be found in publication PMID: 35346344, PMCID: PMC8962531

Victorian Clinical Genetics Services, Murdoch Childrens Research Institute
Classification: Uncertain significance for Hypertrophic cardiomyopathy 4. Last evaluated: 2023-07-16. Review status: criteria provided, single submitter. Criteria: ACMG Guidelines, 2015. Collection method: clinical testing. Allele origin: germline. Inheritance: Autosomal dominant inheritance. Affected: yes.
Comment: Based on the classification scheme VCGS_Germline_v1.3.4, this variant is classified as VUS-3A. Following criteria are met: 0102 - Loss of function is a known mechanism of disease in this gene and is associated with hypertrophic cardiomyopathy 4 (HCM; MIM#115197). (I) 0108 - This gene is associated with both recessive and dominant disease. Dominant inheritance is frequently reported in adult-onset conditions and recessive inheritance results in a more severe early onset phenotype (OMIM). (I) 0115 - Variants in this gene are known to have variable expressivity (PMID: 32841044). (I) 0200 - Variant is predicted to result in a missense amino acid change from aspartic acid to asparagine. (I) 0251 - This variant is heterozygous. (I) 0304 - Variant is present in gnomAD <0.01 (v2 & v3: 6 heterozygotes, 0 homozygotes). (SP) 0309 - Alternative amino acid changes at the same position have been observed in gnomAD (v2 & v3) (highest allele count in p.(Asp610His): 14 heterozygotes, 0 homozygotes). (I) 0502 - Missense variant with conflicting in silico predictions and high conservation. (I) 0600 - Variant is located in the annotated immunoglobulin I-set domain (DECIPHER). (I) 0710 - Other missense variants comparable to the one identified in this case have inconclusive previous evidence for pathogenicity. p.(Asp610His) has been reported as likely pathogenic but more frequently as a VUS, including in individuals with HCM (ClinVar, cardiodb). In addition, p.(Asp610Glu), p.(Asp610Val) and p.(Asp610Tyr) have been reported as VUS by multiple clinical testing laboratories (ClinVar). (I) 0809 - Previous evidence of pathogenicity for this variant is inconclusive. This variant has been reported frequently as a VUS, and in more than 10 individuals with HCM (ClinVar, cardiodb, PMIDs: 32841044, 22857948). It has also been reported as homozygous or compound heterozygous in individuals with childhood onset HCM (PMID: 30009132, ClinVar). In addition, it has been reported as likely pathogenic by a clinical testing laboratory (ClinVar). (I) 1007 - No published functional evidence has been identified for this variant. (I) 1208 - Inheritance information for this variant is not currently available in this individual. (I) Legend: (SP) - Supporting pathogenic, (I) - Information, (SB) - Supporting benign

CHEO Genetics Diagnostic Laboratory, Children's Hospital of Eastern Ontario
Classification: Likely pathogenic for Cardiomyopathy. Last evaluated: 2023-06-09. Review status: criteria provided, single submitter. Criteria: ACMG Guidelines, 2015. Collection method: clinical testing. Allele origin: germline.

NM_000256.3(MYBPC3):c.1828G>A (p.Asp610Asn)

Gene: MYBPC3 (myosin binding protein C3; minus strand). Cytogenetic location: 11p11.2.
Variant type: single nucleotide variant.
Coding change: c.1828G>A on transcript NM_000256.3 (MANE Select); coding-DNA position 1828, G replaced by A.
Protein change: p.Asp610Asn; replaces aspartic acid 610 with asparagine.
Molecular consequence: missense variant.
Genome position (GRCh38, 1-based): chr11:47,341,207, C>T on the plus strand (G>A on the coding strand, the complement: MYBPC3 is on the minus strand). VCF-style: chr11-47341207-C-T. GRCh37 (hg19) VCF-style: chr11-47362758-C-T.
Other names: short protein forms D610N.
Identifiers: ClinVar variation 42575 (VCV000042575.38), dbSNP rs371564200, ClinGen allele CA011276.